The following is an entry in ClinVar:

ClinVar aggregate classification (germline): Uncertain significance (1 of 4 stars; one submission).

Conditions:
Hyperkalemic periodic paralysis. Also called: Familial hyperkalemic periodic paralysis; Gamstorp disease. Identifiers: Orphanet 682, MedGen C0238357, MONDO:0008224, OMIM 170500, HP:0007215.

Submission:

Labcorp Genetics (formerly Invitae), Labcorp
Classification: Uncertain significance for Hyperkalemic periodic paralysis. Last evaluated: 2025-10-22. Review status: criteria provided, single submitter. Criteria: Invitae Variant Classification Sherloc (09022015). Collection method: clinical testing. Allele origin: germline.
Comment: This sequence change replaces isoleucine, which is neutral and non-polar, with threonine, which is neutral and polar, at codon 102 of the SCN4A protein (p.Ile102Thr). This variant is not present in population databases (gnomAD no frequency). This variant has not been reported in the literature in individuals affected with SCN4A-related conditions. ClinVar contains an entry for this variant (Variation ID: 2827464). Invitae Evidence Modeling of protein sequence and biophysical properties (such as structural, functional, and spatial information, amino acid conservation, physicochemical variation, residue mobility, and thermodynamic stability) indicates that this missense variant is expected to disrupt SCN4A protein function with a positive predictive value of 95%. In summary, the available evidence is currently insufficient to determine the role of this variant in disease. Therefore, it has been classified as a Variant of Uncertain Significance.

NM_000334.4(SCN4A):c.305T>C (p.Ile102Thr)

Gene: SCN4A (sodium voltage-gated channel alpha subunit 4; minus strand). Cytogenetic location: 17q23.3.
Variant type: single nucleotide variant.
Coding change: c.305T>C on transcript NM_000334.4 (MANE Select); coding-DNA position 305, T replaced by C.
Protein change: p.Ile102Thr; replaces isoleucine 102 with threonine.
Molecular consequence: missense variant.
Genome position (GRCh38, 1-based): chr17:63,972,439, A>G on the plus strand (T>C on the coding strand, the complement: SCN4A is on the minus strand). VCF-style: chr17-63972439-A-G. GRCh37 (hg19) VCF-style: chr17-62049799-A-G.
Other names: short protein forms I102T.
Identifiers: ClinVar variation 2827464 (VCV002827464.3), dbSNP rs1909642770, ClinGen allele CA400640026.